The following is an entry in ClinVar:

NM_001012614.2(CTBP1):c.252C>T (p.Ile84=)

Gene: CTBP1 (C-terminal binding protein 1; minus strand). Cytogenetic location: 4p16.3.
Variant type: single nucleotide variant.
Coding change: c.252C>T on transcript NM_001012614.2 (MANE Select); coding-DNA position 252, C replaced by T.
Protein change: p.Ile84=; no amino-acid change (isoleucine 84 retained).
Molecular consequence: synonymous variant.
Genome position (GRCh38, 1-based): chr4:1,228,254, G>A on the plus strand (C>T on the coding strand, the complement: CTBP1 is on the minus strand). VCF-style: chr4-1228254-G-A. GRCh37 (hg19) VCF-style: chr4-1222042-G-A.
Other names: c.285C>T, p.Ile95= (NM_001328.3, NM_001377186.1); c.252C>T, p.Ile84= (NM_001377187.1, NM_001377188.1, NM_001377189.1 and 4 more transcripts).
Identifiers: ClinVar variation 1638014 (VCV001638014.33), dbSNP rs149708872, ClinGen allele CA2804465.

ClinVar aggregate classification (germline): Likely benign. Review status: criteria provided, multiple submitters, no conflicts (2 of 4 stars). 3 submissions from 3 submitters: Likely benign (3). Last evaluated 2026-07-01.

Allele frequency attached by ClinVar (database versions not stated): 1000 Genomes Project 30x 0.00016; 1000 Genomes Project 0.00020; ExAC 0.00023; gnomAD 0.00024 and 0.00025; ESP Exome Variant Server 0.00038; gnomAD exomes 0.00057.
gnomAD v4.1: 881 of 1,614,188 alleles (0.055%); highest among the groups gnomAD compares: Non-Finnish European, 0.07%; no homozygotes.

Submissions (3):

CeGaT Center for Human Genetics Tuebingen
Classification: Likely benign. Last evaluated: 2026-07-01. Review status: criteria provided, single submitter. Criteria: CeGaT Center For Human Genetics Tuebingen Variant Classification Criteria Version 2. Collection method: clinical testing. Allele origin: germline. Affected: yes. Observed: 4 variant alleles.
Comment: CTBP1: BP4, BP7

Labcorp Genetics (formerly Invitae), Labcorp
Classification: Likely benign. Last evaluated: 2025-09-04. Review status: criteria provided, single submitter. Criteria: Invitae Variant Classification Sherloc (09022015). Collection method: clinical testing. Allele origin: germline.

Blueprint Genetics
Classification: Likely benign. Last evaluated: 2024-11-25. Review status: criteria provided, single submitter. Criteria: ACMG Guidelines, 2015. Collection method: clinical testing. Allele origin: germline.